The following is an entry in ClinVar:

NM_001382.4(DPAGT1):c.1024C>G (p.Leu342Val)

Gene: DPAGT1 (dolichyl-phosphate N-acetylglucosaminephosphotransferase 1; minus strand). Cytogenetic location: 11q23.3.
Variant type: single nucleotide variant.
Coding change: c.1024C>G on transcript NM_001382.4 (MANE Select); coding-DNA position 1024, C replaced by G.
Protein change: p.Leu342Val; replaces leucine 342 with valine.
Molecular consequence: missense variant.
Genome position (GRCh38, 1-based): chr11:119,097,279, G>C on the plus strand (C>G on the coding strand, the complement: DPAGT1 is on the minus strand). VCF-style: chr11-119097279-G-C. GRCh37 (hg19) VCF-style: chr11-118967989-G-C.
Other names: c.1024C>G (NM_001382.3); short protein forms L342V.
Identifiers: ClinVar variation 1018370 (VCV001018370.7), dbSNP rs555841797, ClinGen allele CA6314463.
Genomic context (GRCh38, chr11:119,097,279, plus strand): 5'-TCATGTTGTTACATTCAGTGAATTCACCATCTTCAGTCTCACTCTGGTGTACTGTCACCA[G>C]CTGGAGGCTCTCTGCCACCTGGAGGGACCAGAGGTGAAGAGAACCTCAGCTAATACCTAT-3'
Protein context (NP_001373.2, residues 332-352): FILKVAESLQ[Leu342Val]VTVHQSETED

ClinVar aggregate classification (germline): Uncertain significance. Review status: criteria provided, multiple submitters, no conflicts (2 of 4 stars). 3 submissions from 3 submitters: Uncertain significance (3). Last evaluated 2024-07-17.

Conditions:
Inborn genetic diseases. Identifiers: MedGen C0950123, MeSH D030342.
Congenital myasthenic syndrome 13 (CMS13). Also called: Myasthenic syndrome, congenital, with tubular aggregates 2; Myasthenic syndrome, congenital, 13, with tubular aggregates. Identifiers: Orphanet 353327, Orphanet 590, MedGen C3553645, MONDO:0013883, OMIM 614750.
DPAGT1-congenital disorder of glycosylation. Also called: CONGENITAL DISORDER OF GLYCOSYLATION, TYPE Ij; DPAGT1-CDG; CDG Ij. Identifiers: Orphanet 86309, MedGen C2931004, MONDO:0011964, OMIM 608093.

Allele frequency attached by ClinVar (database versions not stated): gnomAD exomes below 0.00001 and 0.00001; ExAC 0.00001; gnomAD 0.00001 and 0.00002; TOPMed 0.00011; 1000 Genomes Project 30x 0.00016; 1000 Genomes Project 0.00020.

Submissions (3):

Ambry Genetics
Classification: Uncertain significance for Inborn genetic diseases. Last evaluated: 2024-07-17. Review status: criteria provided, single submitter. Criteria: Ambry Variant Classification Scheme 2023. Collection method: clinical testing. Allele origin: germline.

Labcorp Genetics (formerly Invitae), Labcorp
Classification: Uncertain significance for Congenital myasthenic syndrome 13; DPAGT1-congenital disorder of glycosylation. Last evaluated: 2023-07-21. Review status: criteria provided, single submitter. Criteria: Invitae Variant Classification Sherloc (09022015). Collection method: clinical testing. Allele origin: germline.
Comment: This sequence change replaces leucine, which is neutral and non-polar, with valine, which is neutral and non-polar, at codon 342 of the DPAGT1 protein (p.Leu342Val). In summary, the available evidence is currently insufficient to determine the role of this variant in disease. Therefore, it has been classified as a Variant of Uncertain Significance. Advanced modeling of protein sequence and biophysical properties (such as structural, functional, and spatial information, amino acid conservation, physicochemical variation, residue mobility, and thermodynamic stability) performed at Invitae indicates that this missense variant is not expected to disrupt DPAGT1 protein function. ClinVar contains an entry for this variant (Variation ID: 1018370). This variant has not been reported in the literature in individuals affected with DPAGT1-related conditions. This variant is present in population databases (rs555841797, gnomAD 0.006%).

Department of Pathology and Laboratory Medicine, Sinai Health System
Classification: Uncertain significance for DPAGT1-congenital disorder of glycosylation. Last evaluated: 2022-03-23. Review status: criteria provided, single submitter. Criteria: ACMG Guidelines, 2015. Collection method: research. Allele origin: germline.